The following is an entry in ClinVar:

ClinVar aggregate classification (germline): Uncertain significance (1 of 4 stars; one submission).

Allele frequency attached by ClinVar (database versions not stated): gnomAD exomes below 0.00001.
gnomAD v4.1: 1 of 1,613,874 alleles (0.000062%); highest among the groups gnomAD compares: Non-Finnish European, 0.000085%; no homozygotes.

Submission:

Ambry Genetics
Classification: Uncertain significance. Last evaluated: 2023-03-09. Review status: criteria provided, single submitter. Criteria: Ambry Variant Classification Scheme 2023. Collection method: clinical testing. Allele origin: germline.
Comment: The p.E470D variant (also known as c.1410G>C), located in coding exon 13 of the RAD54L gene, results from a G to C substitution at nucleotide position 1410. The glutamic acid at codon 470 is replaced by aspartic acid, an amino acid with highly similar properties. This amino acid position is conserved. In addition, this alteration is predicted to be tolerated by in silico analysis. Since supporting evidence is limited at this time, the clinical significance of this alteration remains unclear.

NM_003579.4(RAD54L):c.1410G>C (p.Glu470Asp)

Gene: RAD54L (RAD54 like; plus strand). Cytogenetic location: 1p34.1.
Variant type: single nucleotide variant.
Coding change: c.1410G>C on transcript NM_003579.4 (MANE Select); coding-DNA position 1410, G replaced by C.
Protein change: p.Glu470Asp; replaces glutamic acid 470 with aspartic acid.
Molecular consequence: missense variant.
Genome position (GRCh38, 1-based): chr1:46,273,389, G>C. VCF-style: chr1-46273389-G-C. GRCh37 (hg19) VCF-style: chr1-46739061-G-C.
Other names: c.1410G>C, p.Glu470Asp (NM_001142548.2); c.870G>C, p.Glu290Asp (NM_001370766.1); short protein forms E470D, E290D.
Identifiers: ClinVar variation 2465220 (VCV002465220.2), dbSNP rs1346502725, ClinGen allele CA340180598.
Genomic context (GRCh38, chr1:46,273,389, plus strand): 5'-CTGGGTTTTGTTTTGTTTTCTCCCAGATCCAGCTCTAATCTATGATAAGTGTGTGGAAGA[G>C]GAGGATGGCTTTGTGGGTGCCTTGGACCTCTTCCCTCCTGGTTACAGCTCTAAGGCCCTG-3'
Protein context (NP_003570.2, residues 460-480): PALIYDKCVE[Glu470Asp]EDGFVGALDL